The following is an entry in ClinVar:

NM_001081.4(CUBN):c.1230C>T (p.Ile410=)

Gene: CUBN (cubilin; minus strand). Cytogenetic location: 10p13.
Variant type: single nucleotide variant.
Coding change: c.1230C>T on transcript NM_001081.4 (MANE Select); coding-DNA position 1230, C replaced by T.
Protein change: p.Ile410=; no amino-acid change (isoleucine 410 retained).
Molecular consequence: synonymous variant.
Genome position (GRCh38, 1-based): chr10:17,105,457, G>A on the plus strand (C>T on the coding strand, the complement: CUBN is on the minus strand). VCF-style: chr10-17105457-G-A. GRCh37 (hg19) VCF-style: chr10-17147456-G-A.
Identifiers: ClinVar variation 880443 (VCV000880443.33), dbSNP rs144627803, ClinGen allele CA5425357.
Genomic context (GRCh38, chr10:17,105,457, plus strand): 5'-TTATAGGCGTGAAACTAATTCTCAGGTACTCTCTGTCCACAGGAAAAACAAAGGACTCAC[G>A]ATGCATTGTCCATTTAGACAGGGGTGACTTAGGCAAATATTACTGAGCTGCACACATCCA-3'
Protein context (NP_001072.2, residues 400-420): LSHPCLNGQC[Ile410=]DTVSGYFCKC

ClinVar aggregate classification (germline): Conflicting classifications of pathogenicity. Review status: criteria provided, conflicting classifications (1 of 4 stars). 3 submissions from 3 submitters: Uncertain significance (2); Likely benign (1). Last evaluated 2024-02-24.

Conditions:
Imerslund-Grasbeck syndrome type 1 (IGS1). Also called: MEGALOBLASTIC ANEMIA, 1; Megaloblastic anemia 1, Finnish type; Imerslund-Gräsbeck syndrome 1. Identifiers: MedGen C4016819, MONDO:0100156, OMIM 261100.
Imerslund-Grasbeck syndrome. Also called: Megaloblastic anemia due to inborn errors of metabolism; PERNICIOUS ANEMIA, JUVENILE, DUE TO SELECTIVE INTESTINAL MALABSORPTION OF VITAMIN B12, WITH PROTEINURIA; Imerslund-Gräsbeck syndrome; ENTEROCYTE COBALAMIN MALABSORPTION; ENTEROCYTE INTRINSIC FACTOR RECEPTOR, DEFECT OF. Identifiers: Orphanet 35858, MedGen C4551825, MONDO:0009853.

Allele frequency attached by ClinVar (database versions not stated): gnomAD 0.00005; gnomAD exomes 0.00007; ExAC 0.00010; TOPMed 0.00011; ESP Exome Variant Server 0.00015.
gnomAD v4.1: 187 of 1,527,752 alleles (0.012%); highest among the groups gnomAD compares: Middle Eastern, 0.034%; no homozygotes.

Submissions (3):

Labcorp Genetics (formerly Invitae), Labcorp
Classification: Uncertain significance for Imerslund-Grasbeck syndrome. Last evaluated: 2024-02-24. Review status: criteria provided, single submitter. Criteria: Invitae Variant Classification Sherloc (09022015). Collection method: clinical testing. Allele origin: germline.
Comment: This sequence change affects codon 410 of the CUBN mRNA. It is a 'silent' change, meaning that it does not change the encoded amino acid sequence of the CUBN protein. It affects a nucleotide within the consensus splice site. This variant is present in population databases (rs144627803, gnomAD 0.009%). This variant has not been reported in the literature in individuals affected with CUBN-related conditions. ClinVar contains an entry for this variant (Variation ID: 880443). Algorithms developed to predict the effect of sequence changes on RNA splicing suggest that this variant is not likely to affect RNA splicing. In summary, the available evidence is currently insufficient to determine the role of this variant in disease. Therefore, it has been classified as a Variant of Uncertain Significance.

CeGaT Center for Human Genetics Tuebingen
Classification: Likely benign. Last evaluated: 2024-02-01. Review status: criteria provided, single submitter. Criteria: CeGaT Center For Human Genetics Tuebingen Variant Classification Criteria Version 2. Collection method: clinical testing. Allele origin: germline. Affected: yes. Observed: 1 variant allele.
Comment: CUBN: BP4, BP7

Illumina Laboratory Services, Illumina
Classification: Uncertain significance for Imerslund-Grasbeck syndrome type 1. Last evaluated: 2018-01-13. Review status: criteria provided, single submitter. Criteria: ICSL Variant Classification Criteria 13 December 2019. Collection method: clinical testing. Allele origin: germline.